The following is an entry in ClinVar:

ClinVar aggregate classification (germline): Uncertain significance (1 of 4 stars; one submission).

Conditions:
Inborn genetic diseases. Identifiers: MedGen C0950123, MeSH D030342.

Submission:

Ambry Genetics
Classification: Uncertain significance for Inborn genetic diseases. Last evaluated: 2024-10-15. Review status: criteria provided, single submitter. Criteria: Ambry Variant Classification Scheme 2023. Collection method: clinical testing. Allele origin: germline.
Comment: The c.625_627delGAG (p.E209del) alteration, located in coding exon 10 of the DEPDC5 gene, results from an in-frame deletion of three nucleotides at nucleotide positions c.625 to c.627. This results in the deletion of a glutamic acid residue at codon 209. This variant was not reported in population-based cohorts in the Genome Aggregation Database (gnomAD). This amino acid position is well conserved in available vertebrate species. This alteration is predicted to be deleterious by in silico analysis (Choi, 2012). In silico splice site analysis predicts that this alteration will weaken the native splice acceptor site. Based on insufficient or conflicting evidence, the clinical significance of this alteration remains unclear.

NM_001242896.1(DEPDC5):c.625_627delGAG

Gene: DEPDC5 (DEP domain containing 5, GATOR1 subcomplex subunit; plus strand). Cytogenetic location: 22q12.2.
Variant type: Deletion.
Coding change: c.625_627delGAG on transcript NM_001242896.1; coding-DNA positions 625 to 627, 3 bases deleted (GAG).
Genome position (GRCh38, 1-based): chr22:31,792,033-31,792,035, GAG deleted; deleting any 3 consecutive bases within chr22:31,792,031-31,792,035 gives the same sequence; the c. name uses the placement nearest the transcript's 3' end. VCF-style (leftmost placement, unchanged base first): chr22-31792030-TAGG-T. GRCh37 (hg19) VCF-style: chr22-32188016-TAGG-T.
Identifiers: ClinVar variation 3501156 (VCV003501156.1).
Genomic context (GRCh38, chr22:31,792,030, plus strand): 5'-GTCTGCTTCATAGTGAAGTAAATGAAACAAACTTCAACCCTGTTGTTCTCTACTCATGCT[TAGG>T]AGAAGAACTGTAGTCATGAAGTGACAGTGGTCCTGTTTTCTAGAACTTTCTATGATGCAA-3'